The following is an entry in ClinVar:

NM_000256.3(MYBPC3):c.3040del (p.Leu1014fs)

Gene: MYBPC3 (myosin binding protein C3; minus strand). Cytogenetic location: 11p11.2.
Variant type: Deletion.
Coding change: c.3040del on transcript NM_000256.3 (MANE Select); coding-DNA position 3040, one base deleted (C; older notation c.3040delC).
Protein change: p.Leu1014fs; shifts the reading frame from leucine 1014.
Molecular consequence: frameshift variant.
Genome position (GRCh38, 1-based): chr11:47,333,707, G deleted on the plus strand (C on the coding strand, the reverse complement: MYBPC3 is on the minus strand); the first of 4 consecutive G bases (chr11:47,333,707-47,333,710); deleting any one gives the same sequence. VCF-style (leftmost placement, unchanged base first): chr11-47333706-AG-A. GRCh37 (hg19) VCF-style: chr11-47355257-AG-A.
Other names: c.3040delC (NM_000256.3); c.3040del, p.Leu1014fs (LRG_386t1); short protein forms L1014fs.
Identifiers: ClinVar variation 42677 (VCV000042677.15), dbSNP rs397515997, ClinGen allele CA013363.

ClinVar aggregate classification (germline): Pathogenic. Review status: criteria provided, multiple submitters, no conflicts (2 of 4 stars). 4 submissions from 4 submitters: Pathogenic (4). Last evaluated 2024-08-06.

Conditions:
Left ventricular noncompaction 10 (LVNC10). Identifiers: Orphanet 154, Orphanet 54260, MedGen C3715165, MONDO:0014163, OMIM 615396.
Hypertrophic cardiomyopathy 4. Also called: Familial hypertrophic cardiomyopathy 4. Identifiers: MedGen C1861862, MONDO:0007268, OMIM 115197.
Hypertrophic cardiomyopathy. Also called: HYPERTROPHIC MYOCARDIOPATHY. Identifiers: Orphanet 217569, MedGen C0007194, MeSH D002312, MONDO:0005045, HP:0001639.

Submissions (4):

3billion
Classification: Pathogenic for Hypertrophic cardiomyopathy 4. Last evaluated: 2024-08-06. Review status: criteria provided, single submitter. Criteria: ACMG Guidelines, 2015. Collection method: clinical testing. Allele origin: germline. Affected: yes.
Comment: The variant is not observed in the gnomAD v4.0.0 dataset. Predicted Consequence/Location: Frameshift: predicted to result in a loss or disruption of normal protein function through nonsense-mediated decay (NMD) or protein truncation. Multiple pathogenic variants are reported downstream of the variant. The variant has been reported at least twice as pathogenic with clinical assertions and evidence for the classification (ClinVar ID: VCV000042677 /PMID: 25611685). Therefore, this variant is classified as Pathogenic according to the recommendation of ACMG/AMP guideline.

Fulgent Genetics
Classification: Pathogenic for Hypertrophic cardiomyopathy 4; Left ventricular noncompaction 10. Last evaluated: 2024-02-20. Review status: criteria provided, single submitter. Criteria: ACMG Guidelines, 2015. Collection method: clinical testing. Allele origin: germline.

Labcorp Genetics (formerly Invitae), Labcorp
Classification: Pathogenic for Hypertrophic cardiomyopathy. Last evaluated: 2019-07-09. Review status: criteria provided, single submitter. Criteria: Invitae Variant Classification Sherloc (09022015). Collection method: clinical testing. Allele origin: germline.
Comment: This variant has been observed in an individual affected with hypertrophic cardiomyopathy (PMID: 27532257). ClinVar contains an entry for this variant (Variation ID: 42677). This variant is not present in population databases (ExAC no frequency). This sequence change creates a premature translational stop signal (p.Leu1014Trpfs*6) in the MYBPC3 gene. It is expected to result in an absent or disrupted protein product. Loss-of-function variants in MYBPC3 are known to be pathogenic (PMID: 19574547). For these reasons, this variant has been classified as Pathogenic.

Laboratory for Molecular Medicine, Mass General Brigham Personalized Medicine
Classification: Pathogenic for Hypertrophic cardiomyopathy. Last evaluated: 2010-05-28. Review status: criteria provided, single submitter. Criteria: LMM Criteria. Collection method: clinical testing. Allele origin: germline. Observed: 1 variant allele.

Literature cited by the submitters: PubMed 25611685 (cited by 3billion); PubMed 27532257 (cited by Labcorp Genetics (formerly Invitae), Labcorp); PubMed 19574547 (cited by Labcorp Genetics (formerly Invitae), Labcorp).